The following is an entry in ClinVar:

NM_001171613.2(PREPL):c.-42del

Gene: PREPL (prolyl endopeptidase like; minus strand). Cytogenetic location: 2p21.
Variant type: Deletion.
Coding change: c.-42del on transcript NM_001171613.2 (MANE Select); 42 bases upstream of the start codon, one base deleted (C; older notation c.-42delC).
Molecular consequence: 5 prime UTR variant. On other transcripts: frameshift variant (7).
Genome position (GRCh38, 1-based): chr2:44,346,384, G deleted on the plus strand (C on the coding strand, the reverse complement: PREPL is on the minus strand). VCF-style (leftmost placement, unchanged base first): chr2-44346383-TG-T. GRCh37 (hg19) VCF-style: chr2-44573522-TG-T.
Other names: c.226del, p.Gln76fs (NM_006036.4, NM_001042385.2, NM_001042386.2 and 4 more transcripts); c.-42del (NM_001374277.1, NM_001171617.1); c.226delC (NM_006036.4); short protein forms Q76fs.
Identifiers: ClinVar variation 953650 (VCV000953650.11), dbSNP rs749853265, ClinGen allele CA1641685.

ClinVar aggregate classification (germline): Pathogenic/Likely pathogenic. Review status: criteria provided, multiple submitters, no conflicts (2 of 4 stars). 2 submissions from 2 submitters: Pathogenic (1); Likely pathogenic (1). Last evaluated 2025-10-02.

Conditions:
Myasthenic syndrome, congenital, 22 (CMS22). Also called: PREPL DEFICIENCY. Identifiers: MedGen C4479088, MONDO:0044299, OMIM 616224.

Allele frequency attached by ClinVar (database versions not stated): gnomAD 0.00001; ExAC 0.00002; gnomAD exomes 0.00002; TOPMed 0.00002.

Submissions (2):

Labcorp Genetics (formerly Invitae), Labcorp
Classification: Pathogenic for Myasthenic syndrome, congenital, 22. Last evaluated: 2025-10-02. Review status: criteria provided, single submitter. Criteria: Invitae Variant Classification Sherloc (09022015). Collection method: clinical testing. Allele origin: germline.
Comment: This sequence change creates a premature translational stop signal (p.Gln76Serfs*21) in the PREPL gene. It is expected to result in an absent or disrupted protein product. Loss-of-function variants in PREPL are known to be pathogenic (PMID: 24610330, 28726805, 29913539). This variant is present in population databases (rs749853265, gnomAD 0.005%). This variant has not been reported in the literature in individuals affected with PREPL-related conditions. ClinVar contains an entry for this variant (Variation ID: 953650). For these reasons, this variant has been classified as Pathogenic.

Laboratorio de Genetica e Diagnostico Molecular, Hospital Israelita Albert Einstein
Classification: Likely pathogenic. Last evaluated: 2021-04-26. Review status: criteria provided, single submitter. Criteria: ACMG Guidelines, 2015. Collection method: clinical testing. Allele origin: germline. Affected: yes.
Comment: ACMG classification criteria: PVS1, PM2

Literature cited by the submitters: PubMed 24610330 (cited by Labcorp Genetics (formerly Invitae), Labcorp); PubMed 28726805 (cited by Labcorp Genetics (formerly Invitae), Labcorp); PubMed 29913539 (cited by Labcorp Genetics (formerly Invitae), Labcorp).